The following is an entry in ClinVar:

ClinVar aggregate classification (germline): Uncertain significance (1 of 4 stars; one submission).

Conditions:
Bloom syndrome (BLM). Also called: Bloom-Torre-Machacek syndrome. Identifiers: Orphanet 125, MedGen C0005859, MONDO:0008876, OMIM 210900.

Submission:

Labcorp Genetics (formerly Invitae), Labcorp
Classification: Uncertain significance for Bloom syndrome. Last evaluated: 2023-04-06. Review status: criteria provided, single submitter. Criteria: Invitae Variant Classification Sherloc (09022015). Collection method: clinical testing. Allele origin: germline.
Comment: This sequence change replaces glycine, which is neutral and non-polar, with serine, which is neutral and polar, at codon 441 of the BLM protein (p.Gly441Ser). This variant is not present in population databases (gnomAD no frequency). This variant has not been reported in the literature in individuals affected with BLM-related conditions. Advanced modeling of protein sequence and biophysical properties (such as structural, functional, and spatial information, amino acid conservation, physicochemical variation, residue mobility, and thermodynamic stability) performed at Invitae indicates that this missense variant is not expected to disrupt BLM protein function. In summary, the available evidence is currently insufficient to determine the role of this variant in disease. Therefore, it has been classified as a Variant of Uncertain Significance.

NM_000057.4(BLM):c.1321G>A (p.Gly441Ser)

Gene: BLM (BLM RecQ like helicase; plus strand). Cytogenetic location: 15q26.1.
Variant type: single nucleotide variant.
Coding change: c.1321G>A on transcript NM_000057.4 (MANE Select); coding-DNA position 1321, G replaced by A.
Protein change: p.Gly441Ser; replaces glycine 441 with serine.
Molecular consequence: missense variant.
Genome position (GRCh38, 1-based): chr15:90,760,694, G>A. VCF-style: chr15-90760694-G-A. GRCh37 (hg19) VCF-style: chr15-91303924-G-A.
Other names: c.1321G>A, p.Gly441Ser (NM_001287246.2, NM_001287247.2); c.196G>A, p.Gly66Ser (NM_001287248.2); short protein forms G441S, G66S.
Identifiers: ClinVar variation 2852359 (VCV002852359.3), dbSNP rs2505424642, ClinGen allele CA393842807.
Genomic context (GRCh38, chr15:90,760,694, plus strand): 5'-GCCAGTCTTCTTGGCTCATTGTGGAGATACAGGCCTGATTCACTTGATGGCCCTATGGAG[G>A]GTGATTCCTGCCCTACAGGGAATTCTATGAAGGAGTTAAATTTTTCACACCTTCCCTCAA-3'
Protein context (NP_000048.1, residues 431-451): RPDSLDGPME[Gly441Ser]DSCPTGNSMK